The following is an entry in ClinVar:

ClinVar aggregate classification (germline): Likely benign (1 of 4 stars; one submission).

Submission:

CeGaT Center for Human Genetics Tuebingen
Classification: Likely benign. Last evaluated: 2025-05-01. Review status: criteria provided, single submitter. Criteria: CeGaT Center For Human Genetics Tuebingen Variant Classification Criteria Version 2. Collection method: clinical testing. Allele origin: germline. Affected: yes. Observed: 1 variant allele.
Comment: FCGBP: BP4, BP7

NM_003890.3(FCGBP):c.7029C>T (p.Tyr2343=)

Gene: FCGBP (Fc gamma binding protein; minus strand). Cytogenetic location: 19q13.2.
Variant type: single nucleotide variant.
Coding change: c.7029C>T on transcript NM_003890.3 (MANE Select); coding-DNA position 7029, C replaced by T.
Protein change: p.Tyr2343=; no amino-acid change (tyrosine 2343 retained).
Molecular consequence: synonymous variant.
Identifiers: ClinVar variation 3904870 (VCV003904870.7).